The following is an entry in ClinVar:

NC_000023.11:g.(?_31496768)_(31875393_?)del

Genes: DMD (dystrophin; minus strand), LOC129391296 (MPRA-validated peak7373 silencer; plus strand). Cytogenetic location: Xp21.2-21.1.
Variant type: Deletion.
Identifiers: ClinVar variation 584009 (VCV000584009.9).

ClinVar aggregate classification (germline): Pathogenic (1 of 4 stars; one submission).

Conditions:
Duchenne muscular dystrophy (DMD). Also called: MUSCULAR DYSTROPHY, PSEUDOHYPERTROPHIC PROGRESSIVE, DUCHENNE TYPE; Duchenne Muscular Dystrophy (DMD). Identifiers: Orphanet 98896, MedGen C0013264, MONDO:0010679, OMIM 310200.

Submission:

Labcorp Genetics (formerly Invitae), Labcorp
Classification: Pathogenic for Duchenne muscular dystrophy. Last evaluated: 2018-01-02. Review status: criteria provided, single submitter. Criteria: Invitae Variant Classification Sherloc (09022015). Collection method: clinical testing. Allele origin: germline.
Comment: In addition, other in-frame deletions in the same region of the DMD gene have been reported in affected individuals (PMID: 10841222, 15841391 , 19907931, 25614876). This variant is a gross deletion of the genomic region encompassing exons 48-57 of the DMD gene. This leads to an in-frame deletion, preserving the integrity of the reading frame. For these reasons, this variant has been classified as Pathogenic.

Literature cited by the submitters: PubMed 10841222; PubMed 15841391.